The following is an entry in ClinVar:

NM_203447.4(DOCK8):c.3197G>C (p.Gly1066Ala)

Gene: DOCK8 (dedicator of cytokinesis 8; plus strand). Cytogenetic location: 9p24.3.
Variant type: single nucleotide variant.
Coding change: c.3197G>C on transcript NM_203447.4 (MANE Select); coding-DNA position 3197, G replaced by C.
Protein change: p.Gly1066Ala; replaces glycine 1066 with alanine.
Molecular consequence: missense variant.
Genome position (GRCh38, 1-based): chr9:399,222, G>C. VCF-style: chr9-399222-G-C. GRCh37 (hg19) VCF-style: chr9-399222-G-C.
Other names: c.2897G>C, p.Gly966Ala (NM_001190458.2); c.2993G>C, p.Gly998Ala (NM_001193536.2); short protein forms G1066A, G966A, G998A.
Identifiers: ClinVar variation 843798 (VCV000843798.8), dbSNP rs745488546, ClinGen allele CA372754864.

ClinVar aggregate classification (germline): Uncertain significance (1 of 4 stars; one submission).

gnomAD v4.1: 12 of 1,613,956 alleles (0.00074%); highest among the groups gnomAD compares: Non-Finnish European, 0.001%; no homozygotes.

Submission:

Labcorp Genetics (formerly Invitae), Labcorp
Classification: Uncertain significance for Combined immunodeficiency due to DOCK8 deficiency. Last evaluated: 2025-01-19. Review status: criteria provided, single submitter. Criteria: Invitae Variant Classification Sherloc (09022015). Collection method: clinical testing. Allele origin: germline.
Comment: This sequence change replaces glycine, which is neutral and non-polar, with alanine, which is neutral and non-polar, at codon 1066 of the DOCK8 protein (p.Gly1066Ala). This variant is present in population databases (no rsID available, gnomAD 0.0009%). This variant has not been reported in the literature in individuals affected with DOCK8-related conditions. ClinVar contains an entry for this variant (Variation ID: 843798). Invitae Evidence Modeling of protein sequence and biophysical properties (such as structural, functional, and spatial information, amino acid conservation, physicochemical variation, residue mobility, and thermodynamic stability) indicates that this missense variant is expected to disrupt DOCK8 protein function with a positive predictive value of 80%. In summary, the available evidence is currently insufficient to determine the role of this variant in disease. Therefore, it has been classified as a Variant of Uncertain Significance.